The following is an entry in ClinVar:

ClinVar aggregate classification (germline): Uncertain significance (1 of 4 stars; one submission).

Conditions:
Hajdu-Cheney syndrome (HJCYS). Also called: Acroosteolysis dominant type; SERPENTINE FIBULA-POLYCYSTIC KIDNEY SYNDROME; ACROOSTEOLYSIS WITH OSTEOPOROSIS AND CHANGES IN SKULL AND MANDIBLE. Identifiers: Orphanet 955, MedGen C0917715, MONDO:0007057, OMIM 102500.

Allele frequency attached by ClinVar (database versions not stated): ExAC 0.00001.

Submission:

Labcorp Genetics (formerly Invitae), Labcorp
Classification: Uncertain significance for Hajdu-Cheney syndrome. Last evaluated: 2022-02-10. Review status: criteria provided, single submitter. Criteria: Invitae Variant Classification Sherloc (09022015). Collection method: clinical testing. Allele origin: germline.
Comment: In summary, the available evidence is currently insufficient to determine the role of this variant in disease. Therefore, it has been classified as a Variant of Uncertain Significance. Algorithms developed to predict the effect of missense changes on protein structure and function (SIFT, PolyPhen-2, Align-GVGD) all suggest that this variant is likely to be disruptive. This variant has not been reported in the literature in individuals affected with NOTCH2-related conditions. This variant is not present in population databases (gnomAD no frequency). This sequence change replaces threonine, which is neutral and polar, with isoleucine, which is neutral and non-polar, at codon 539 of the NOTCH2 protein (p.Thr539Ile).

NM_024408.4(NOTCH2):c.1616C>T (p.Thr539Ile)

Gene: NOTCH2 (notch receptor 2; minus strand). Cytogenetic location: 1p12.
Variant type: single nucleotide variant.
Coding change: c.1616C>T on transcript NM_024408.4 (MANE Select); coding-DNA position 1616, C replaced by T.
Protein change: p.Thr539Ile; replaces threonine 539 with isoleucine.
Molecular consequence: missense variant.
Genome position (GRCh38, 1-based): chr1:119,965,518, G>A on the plus strand (C>T on the coding strand, the complement: NOTCH2 is on the minus strand). VCF-style: chr1-119965518-G-A. GRCh37 (hg19) VCF-style: chr1-120508141-G-A.
Other names: c.1616C>T, p.Thr539Ile (NM_001200001.2); short protein forms T539I.
Identifiers: ClinVar variation 2096204 (VCV002096204.4), dbSNP rs782611145, ClinGen allele CA1040493.
Genomic context (GRCh38, chr1:119,965,518, plus strand): 5'-GCACACTGGCATTCATAGCCATTCGGGTGATCGATACACTTTGCCCCATTCAGACACGGA[G>A]TACTGGAACAGTCATCAATATCAATCTGGCAAACTGGCCCAGTGAAACCTCAAAAAGGGA-3'
Protein context (NP_077719.2, residues 529-549): CQIDIDDCSS[Thr539Ile]PCLNGAKCID